The following is an entry in ClinVar:

ClinVar aggregate classification (germline): Uncertain significance (1 of 4 stars; one submission).

gnomAD v4.1: 4 of 1,613,958 alleles (0.00025%); highest among the groups gnomAD compares: South Asian, 0.0011%; no homozygotes.

Submission:

GeneDx
Classification: Uncertain significance. Last evaluated: 2026-03-16. Review status: criteria provided, single submitter. Criteria: GeneDx Variant Classification Process June 2021. Collection method: clinical testing. Allele origin: germline.
Comment: Not observed at significant frequency in large population cohorts (gnomAD); In silico analysis supports that this missense variant has a deleterious effect on protein structure/function; Has not been previously published as pathogenic or benign to our knowledge

NM_199334.5(THRA):c.941C>T (p.Thr314Met)

Gene: THRA (thyroid hormone receptor alpha; plus strand). Cytogenetic location: 17q21.1.
Variant type: single nucleotide variant.
Coding change: c.941C>T on transcript NM_199334.5 (MANE Select); coding-DNA position 941, C replaced by T.
Protein change: p.Thr314Met; replaces threonine 314 with methionine.
Molecular consequence: missense variant.
Genome position (GRCh38, 1-based): chr17:40,088,459, C>T. VCF-style: chr17-40088459-C-T. GRCh37 (hg19) VCF-style: chr17-38244712-C-T.
Other names: c.941C>T, p.Thr314Met (NM_001190918.2, NM_001190919.2, NM_003250.6); short protein forms T314M.
Identifiers: ClinVar variation 5009297 (VCV005009297.1).